The following is an entry in ClinVar:

ClinVar aggregate classification (germline): Likely pathogenic (1 of 4 stars; one submission).

Submission:

GeneDx
Classification: Likely pathogenic. Last evaluated: 2023-03-20. Review status: criteria provided, single submitter. Criteria: GeneDx Variant Classification Process June 2021. Collection method: clinical testing. Allele origin: germline. Affected: yes.
Comment: Reported in a patient in published literature who was tested at GeneDx as part of a cohort with epilepsy and/or neurodevelopmental disorders (Lindy et al., 2018); Not observed at significant frequency in large population cohorts (gnomAD); Missense variants in this gene are often considered pathogenic (HGMD); In silico analysis supports that this missense variant has a deleterious effect on protein structure/function; Within the extracellular loop between the S5 and S6 transmembrane segments of the fourth homologous domain; This variant is associated with the following publications: (PMID: 29655203, 24077912, 26582918)

NM_001165963.4(SCN1A):c.5261G>T (p.Gly1754Val)

Genes: SCN1A (sodium voltage-gated channel alpha subunit 1; minus strand), LOC102724058 (uncharacterized LOC102724058; plus strand). Cytogenetic location: 2q24.3.
Variant type: single nucleotide variant.
Coding change: c.5261G>T on transcript NM_001165963.4 (MANE Select); coding-DNA position 5261, G replaced by T.
Protein change: p.Gly1754Val; replaces glycine 1754 with valine.
Molecular consequence: missense variant. On other transcripts: non-coding transcript variant (1).
Genome position (GRCh38, 1-based): chr2:165,992,014, C>A on the plus strand (G>T on the coding strand, the complement: SCN1A is on the minus strand). VCF-style: chr2-165992014-C-A. GRCh37 (hg19) VCF-style: chr2-166848524-C-A.
Other names: p.G1754V:GGA>GTA; c.5177G>T, p.Gly1726Val (NM_001165964.3, NM_001353957.2, NM_001353958.2); c.5261G>T, p.Gly1754Val (NM_001202435.3, NM_001353948.2); c.5228G>T, p.Gly1743Val (NM_001353949.2, NM_001353950.2, NM_001353951.2 and 2 more transcripts); c.5225G>T, p.Gly1742Val (NM_001353954.2, NM_001353955.2); c.5174G>T, p.Gly1725Val (NM_001353960.2); c.2819G>T, p.Gly940Val (NM_001353961.2); short protein forms G1743V, G1754V, G1742V, G1725V, G1726V, G940V.
Identifiers: ClinVar variation 206862 (VCV000206862.3), dbSNP rs796053036, ClinGen allele CA317593.
Genomic context (GRCh38, chr2:165,992,014, plus strand): 5'-AAGGATATGATGATGTAACTGACAAAAAAGAAAATTCCAACAGATGGGTTCCCACAGTCT[C>A]CCTTAACTGAGCTTCCAGGGTTAACTTTATTAGGGTCACAGTCGGGTGGCTTACTGTTGA-3'
Protein context (NP_001159435.1, residues 1744-1764): NKVNPGSSVK[Gly1754Val]DCGNPSVGIF